The following is an entry in ClinVar:

ClinVar aggregate classification (germline): Uncertain significance. Review status: criteria provided, single submitter (1 of 4 stars). 2 submissions from 2 submitters: Uncertain significance (1). 1 of the submissions does not count toward it. Last evaluated 2022-07-03.

Conditions:
Question mark ears, isolated (QME). Also called: EARS, PROMINENT AND CONSTRICTED. Identifiers: Orphanet 137888, MedGen C2748545, MONDO:0013013, OMIM 612798.

Submissions (2):

Labcorp Genetics (formerly Invitae), Labcorp
Classification: Uncertain significance. Last evaluated: 2022-07-03. Review status: criteria provided, single submitter. Criteria: Invitae Variant Classification Sherloc (09022015). Collection method: clinical testing. Allele origin: germline.
Comment: This sequence change replaces glutamic acid, which is acidic and polar, with glutamine, which is neutral and polar, at codon 62 of the EDN1 protein (p.Glu62Gln). This variant is not present in population databases (gnomAD no frequency). This variant has not been reported in the literature in individuals affected with EDN1-related conditions. ClinVar contains an entry for this variant (Variation ID: 592103). Algorithms developed to predict the effect of missense changes on protein structure and function (SIFT, PolyPhen-2, Align-GVGD) all suggest that this variant is likely to be disruptive. In summary, the available evidence is currently insufficient to determine the role of this variant in disease. Therefore, it has been classified as a Variant of Uncertain Significance.

Biochemical Molecular Genetic Laboratory, King Abdulaziz Medical City
Classification: Uncertain significance for Question mark ears, isolated. Last evaluated: 2018-05-25. Review status: no assertion criteria provided. Collection method: clinical testing. Allele origin: germline. Affected: yes. Not counted in ClinVar's aggregate classification.

NM_001955.5(EDN1):c.184G>C (p.Glu62Gln)

Gene: EDN1 (endothelin 1; plus strand). Cytogenetic location: 6p24.1.
Variant type: single nucleotide variant.
Coding change: c.184G>C on transcript NM_001955.5 (MANE Select); coding-DNA position 184, G replaced by C.
Protein change: p.Glu62Gln; replaces glutamic acid 62 with glutamine.
Molecular consequence: missense variant.
Genome position (GRCh38, 1-based): chr6:12,292,460, G>C. VCF-style: chr6-12292460-G-C. GRCh37 (hg19) VCF-style: chr6-12292693-G-C.
Other names: c.181G>C, p.Glu61Gln (NM_001168319.2); short protein forms E62Q, E61Q.
Identifiers: ClinVar variation 592103 (VCV000592103.6), dbSNP rs1561693994, ClinGen allele CA362856386.